The following is an entry in ClinVar:

NM_001041.4(SI):c.4575T>G (p.Tyr1525Ter)

Gene: SI (sucrase-isomaltase; minus strand). Cytogenetic location: 3q26.1.
Variant type: single nucleotide variant.
Coding change: c.4575T>G on transcript NM_001041.4 (MANE Select); coding-DNA position 4575, T replaced by G.
Protein change: p.Tyr1525Ter; replaces tyrosine 1525 with a stop codon.
Molecular consequence: nonsense.
Genome position (GRCh38, 1-based): chr3:164,996,738, A>C on the plus strand (T>G on the coding strand, the complement: SI is on the minus strand). VCF-style: chr3-164996738-A-C. GRCh37 (hg19) VCF-style: chr3-164714526-A-C.
Other names: short protein forms Y1525*.
Identifiers: ClinVar variation 1360953 (VCV001360953.6), dbSNP rs370402596, ClinGen allele CA355029938.

ClinVar aggregate classification (germline): Pathogenic (1 of 4 stars; one submission).

gnomAD v4.1: 1 of 1,150,256 alleles (0.000087%); highest among the groups gnomAD compares: Non-Finnish European, 0.00013%; no homozygotes.

Submission:

Labcorp Genetics (formerly Invitae), Labcorp
Classification: Pathogenic. Last evaluated: 2024-12-12. Review status: criteria provided, single submitter. Criteria: Invitae Variant Classification Sherloc (09022015). Collection method: clinical testing. Allele origin: germline.
Comment: This sequence change creates a premature translational stop signal (p.Tyr1525*) in the SI gene. It is expected to result in an absent or disrupted protein product. Loss-of-function variants in SI are known to be pathogenic (PMID: 16329100, 23103650, 25452324). This variant is not present in population databases (gnomAD no frequency). This variant has not been reported in the literature in individuals affected with SI-related conditions. ClinVar contains an entry for this variant (Variation ID: 1360953). For these reasons, this variant has been classified as Pathogenic.

Literature cited by the submitters: PubMed 16329100; PubMed 23103650; PubMed 25452324.